The following is an entry in ClinVar:

ClinVar aggregate classification (germline): Uncertain significance. Review status: criteria provided, multiple submitters, no conflicts (2 of 4 stars). 2 submissions from 2 submitters: Uncertain significance (2). Last evaluated 2025-08-26.

Conditions:
Inborn genetic diseases. Identifiers: MedGen C0950123, MeSH D030342.
MEGF8-related Carpenter syndrome. Also called: Carpenter syndrome 2. Identifiers: Orphanet 65759, MedGen C3554247, MONDO:0013998, OMIM 614976.

Allele frequency attached by ClinVar (database versions not stated): gnomAD 0.00001; TOPMed 0.00001; gnomAD exomes 0.00002; ExAC 0.00013.
gnomAD v4.1: 17 of 1,507,388 alleles (0.0011%); highest among the groups gnomAD compares: African/African-American, 0.0042%; no homozygotes.

Submissions (2):

Ambry Genetics
Classification: Uncertain significance for Inborn genetic diseases. Last evaluated: 2025-08-26. Review status: criteria provided, single submitter. Criteria: Ambry Variant Classification Scheme 2023. Collection method: clinical testing. Allele origin: germline.

Labcorp Genetics (formerly Invitae), Labcorp
Classification: Uncertain significance for MEGF8-related Carpenter syndrome. Last evaluated: 2018-12-27. Review status: criteria provided, single submitter. Criteria: Invitae Variant Classification Sherloc (09022015). Collection method: clinical testing. Allele origin: germline.
Comment: This sequence change replaces glycine with serine at codon 289 of the MEGF8 protein (p.Gly289Ser). The glycine residue is weakly conserved and there is a small physicochemical difference between glycine and serine. In summary, the available evidence is currently insufficient to determine the role of this variant in disease. Therefore, it has been classified as a Variant of Uncertain Significance. Algorithms developed to predict the effect of sequence changes on RNA splicing suggest that this variant may create or strengthen a splice site, but this prediction has not been confirmed by published transcriptional studies. Algorithms developed to predict the effect of missense changes on protein structure and function are either unavailable or do not agree on the potential impact of this missense change (SIFT: "Deleterious"; PolyPhen-2: "Benign"; Align-GVGD: "Class C0"). This variant has not been reported in the literature in individuals with MEGF8-related conditions. While this variant is present in population databases (rs753588973), the frequency information is unreliable, as metrics indicate poor data quality at this position in the ExAC database.

NM_001271938.2(MEGF8):c.865G>A (p.Gly289Ser)

Gene: MEGF8 (multiple EGF like domains 8; plus strand). Cytogenetic location: 19q13.2.
Variant type: single nucleotide variant.
Coding change: c.865G>A on transcript NM_001271938.2 (MANE Select); coding-DNA position 865, G replaced by A.
Protein change: p.Gly289Ser; replaces glycine 289 with serine.
Molecular consequence: missense variant.
Genome position (GRCh38, 1-based): chr19:42,335,967, G>A. VCF-style: chr19-42335967-G-A. GRCh37 (hg19) VCF-style: chr19-42840119-G-A.
Other names: c.865G>A, p.Gly289Ser (NM_001410.3); short protein forms G289S.
Identifiers: ClinVar variation 645690 (VCV000645690.9), dbSNP rs753588973, ClinGen allele CA9474297.